The following is an entry in ClinVar:

ClinVar aggregate classification (germline): Benign/Likely benign. Review status: criteria provided, multiple submitters, no conflicts (2 of 4 stars). 2 submissions from 2 submitters: Benign (1); Likely benign (1). Last evaluated 2019-10-17.

Conditions:
Leigh syndrome (NULS). Also called: Leigh Syndrome (mtDNA deletion); Leigh's syndrome; LEIGH SYNDROME, NUCLEAR; Leigh Disease; Subacute necrotizing encephalopathy; Necrotizing encephalopathy infantile subacute of Leigh. Identifiers: Orphanet 506, MedGen C2931891, MONDO:0009723, OMIM 256000.

Submissions (2):

Wong Mito Lab, Molecular and Human Genetics, Baylor College of Medicine
Classification: Benign for Leigh syndrome. Last evaluated: 2019-10-17. Review status: criteria provided, single submitter. Criteria: Modified ACMG Guidelines (Unpublished). Collection method: clinical testing. Allele origin: germline.
Comment: The NC_012920.1:m.9861T>C (YP_003024032.1:p.Phe219Leu) variant in MTCO3 gene is interpretated to be a Benign variant based on the modified ACMG guidelines (unpublished). This variant meets the following evidence codes: BS1, BS2

Center for Pediatric Genomic Medicine, Children's Mercy Hospital and Clinics
Classification: Likely benign. Last evaluated: 2015-08-12. Review status: criteria provided, single submitter. Criteria: ACMG Guidelines, 2015. Collection method: clinical testing. Allele origin: germline.
ClinVar note: Converted during submission from Likely Benign to Likely benign.

Literature cited by the submitters: PubMed 16358358 (cited by Wong Mito Lab, Molecular and Human Genetics, Baylor College of Medicine).

NC_012920.1(MT-CO3):m.9861T>C

Gene: MT-CO3 (mitochondrially encoded cytochrome c oxidase III; plus strand).
Variant type: single nucleotide variant.
Genome position: chrM-9861-T-C.
Identifiers: ClinVar variation 235537 (VCV000235537.4), dbSNP rs878853060, ClinGen allele CA10581347.